The following is an entry in ClinVar:

ClinVar aggregate classification (germline): Benign. Review status: criteria provided, multiple submitters, no conflicts (2 of 4 stars). 5 submissions from 4 submitters: Benign (5). Last evaluated 2023-11-12.

Conditions:
Familial cold autoinflammatory syndrome 3 (FCAS3). Also called: ANTIBODY DEFICIENCY AND IMMUNE DYSREGULATION, PLCG2-ASSOCIATED; FAMILIAL ATYPICAL COLD URTICARIA. Identifiers: Orphanet 300359, MedGen C3280914, MONDO:0013766, OMIM 614468.
Autoinflammation-PLCG2-associated antibody deficiency-immune dysregulation. Also called: Autoinflammation, antibody deficiency, and immune dysregulation, plcg2-associated; AUTOINFLAMMATION, ANTIBODY DEFICIENCY, AND IMMUNE DYSREGULATION; Autoinflammation, antibody deficiency, and immune dysregulation syndrome. Identifiers: Orphanet 324530, MedGen C3553961, MONDO:0013944, OMIM 614878.

Allele frequency attached by ClinVar (database versions not stated): 1000 Genomes Project 30x 0.50500; 1000 Genomes Project 0.51298; TOPMed 0.53734; gnomAD 0.54348 and 0.54715; ESP Exome Variant Server 0.55307; gnomAD exomes 0.59018 and 0.60476; ExAC 0.59208.
gnomAD v4.1: 956,653 of 1,597,734 alleles (60%); highest among the groups gnomAD compares: South Asian, 62%; 289,075 homozygotes.

Submissions (5):

Unidad de Genómica Garrahan, Hospital de Pediatría Garrahan
Classification: Benign. Last evaluated: 2023-11-12. Review status: criteria provided, single submitter. Criteria: ACMG Guidelines, 2015. Collection method: clinical testing. Allele origin: germline. Affected: no. Observed: 74 variant alleles.
Comment: This variant is classified as Benign based on local population frequency. This variant was detected in 77% of patients studied by a panel of primary immunodeficiencies. Number of patients: 74. Only high quality variants are reported.

Genome-Nilou Lab
Classification: Benign for Autoinflammation-PLCG2-associated antibody deficiency-immune dysregulation. Last evaluated: 2021-10-25. Review status: criteria provided, single submitter. Criteria: ACMG Guidelines, 2015. Collection method: clinical testing. Allele origin: germline. Affected: no.

Genome-Nilou Lab
Classification: Benign for Familial cold autoinflammatory syndrome 3. Last evaluated: 2021-10-25. Review status: criteria provided, single submitter. Criteria: ACMG Guidelines, 2015. Collection method: clinical testing. Allele origin: germline. Affected: no.

GeneDx
Classification: Benign. Last evaluated: 2021-05-14. Review status: criteria provided, single submitter. Criteria: GeneDx Variant Classification Process June 2021. Collection method: clinical testing. Allele origin: germline. Affected: yes.

Breakthrough Genomics
Classification: Benign. Review status: criteria provided, single submitter. Criteria: ACMG Guidelines, 2015. Collection method: not provided. Allele origin: germline. Inheritance: Autosomal dominant inheritance. Affected: yes.

NM_002661.5(PLCG2):c.480-22A>G

Gene: PLCG2 (phospholipase C gamma 2; plus strand). Cytogenetic location: 16q23.3.
Variant type: single nucleotide variant.
Coding change: c.480-22A>G on transcript NM_002661.5 (MANE Select); 22 bases into the intron before coding-DNA position 480, A replaced by G.
Molecular consequence: intron variant.
Genome position (GRCh38, 1-based): chr16:81,869,192, A>G. VCF-style: chr16-81869192-A-G. GRCh37 (hg19) VCF-style: chr16-81902797-A-G.
Identifiers: ClinVar variation 1247787 (VCV001247787.7), dbSNP rs12445580, ClinGen allele CA8193241.